The following is an entry in ClinVar:

ClinVar aggregate classification (germline): Uncertain significance. Review status: criteria provided, multiple submitters, no conflicts (2 of 4 stars). 3 submissions from 3 submitters: Uncertain significance (3). Last evaluated 2025-05-27.

Conditions:
Alpha-methylacyl-CoA racemase deficiency (AMACRD). Also called: AMACR deficiency. Identifiers: Orphanet 79095, MedGen C3280428, MONDO:0013681, OMIM 614307. Disease mechanism: loss of function.
Inborn genetic diseases. Identifiers: MedGen C0950123, MeSH D030342.

Allele frequency attached by ClinVar (database versions not stated): ExAC 0.00001; gnomAD 0.00001; gnomAD exomes 0.00001; TOPMed 0.00001; ESP Exome Variant Server 0.00008.
gnomAD v4.1: 9 of 1,614,078 alleles (0.00056%); highest among the groups gnomAD compares: Non-Finnish European, 0.00076%; no homozygotes.

Submissions (3):

Ambry Genetics
Classification: Uncertain significance for Inborn genetic diseases. Last evaluated: 2025-05-27. Review status: criteria provided, single submitter. Criteria: Ambry Variant Classification Scheme 2023. Collection method: clinical testing. Allele origin: germline.

Labcorp Genetics (formerly Invitae), Labcorp
Classification: Uncertain significance for Alpha-methylacyl-CoA racemase deficiency. Last evaluated: 2022-07-26. Review status: criteria provided, single submitter. Criteria: Invitae Variant Classification Sherloc (09022015). Collection method: clinical testing. Allele origin: germline.
Comment: This sequence change replaces alanine, which is neutral and non-polar, with proline, which is neutral and non-polar, at codon 281 of the AMACR protein (p.Ala281Pro). This variant is present in population databases (rs371707295, gnomAD 0.003%). This variant has not been reported in the literature in individuals affected with AMACR-related conditions. ClinVar contains an entry for this variant (Variation ID: 905566). Algorithms developed to predict the effect of missense changes on protein structure and function are either unavailable or do not agree on the potential impact of this missense change (SIFT: "Tolerated"; PolyPhen-2: "Probably Damaging"; Align-GVGD: "Class C0"). In summary, the available evidence is currently insufficient to determine the role of this variant in disease. Therefore, it has been classified as a Variant of Uncertain Significance.

Illumina Laboratory Services, Illumina
Classification: Uncertain significance for Alpha-methylacyl-CoA racemase deficiency. Last evaluated: 2018-01-12. Review status: criteria provided, single submitter. Criteria: ICSL Variant Classification Criteria 13 December 2019. Collection method: clinical testing. Allele origin: germline.

NM_014324.6(AMACR):c.841G>C (p.Ala281Pro)

Genes: C1QTNF3-AMACR (C1QTNF3-AMACR readthrough (NMD candidate); minus strand), AMACR (alpha-methylacyl-CoA racemase; minus strand). Cytogenetic location: 5p13.2.
Variant type: single nucleotide variant.
Coding change: c.841G>C on transcript NM_014324.6 (MANE Select); coding-DNA position 841, G replaced by C.
Protein change: p.Ala281Pro; replaces alanine 281 with proline.
Molecular consequence: missense variant. On other transcripts: non-coding transcript variant (1), 3 prime UTR variant (1).
Genome position (GRCh38, 1-based): chr5:33,989,401, C>G on the plus strand (G>C on the coding strand, the complement: AMACR is on the minus strand). VCF-style: chr5-33989401-C-G. GRCh37 (hg19) VCF-style: chr5-33989506-C-G.
Other names: c.841G>C, p.Ala281Pro (NM_001167595.2); c.*83G>C (NM_203382.3); short protein forms A281P.
Identifiers: ClinVar variation 905566 (VCV000905566.6), dbSNP rs371707295, ClinGen allele CA3226010.